The following is an entry in ClinVar:

NM_001278116.2(L1CAM):c.991+1G>A

Gene: L1CAM (L1 cell adhesion molecule; minus strand). Cytogenetic location: Xq28.
Variant type: single nucleotide variant.
Coding change: c.991+1G>A on transcript NM_001278116.2 (MANE Select); the canonical splice donor site of the intron after coding-DNA position 991, G replaced by A.
Molecular consequence: splice donor variant.
Genome position (GRCh38, 1-based): chrX:153,870,055, C>T on the plus strand (G>A on the coding strand, the complement: L1CAM is on the minus strand). VCF-style: chrX-153870055-C-T. GRCh37 (hg19) VCF-style: chrX-153135510-C-T.
Other names: c.976+1G>A (NM_001143963.2); c.991+1G>A (NM_024003.3, NM_000425.5).
Identifiers: ClinVar variation 2633025 (VCV002633025.1), dbSNP rs2521016418, ClinGen allele CA415131399.

ClinVar aggregate classification (germline): Pathogenic (1 of 4 stars; one submission).

Conditions:
L1CAM-related disorder. Also called: L1CAM-related condition.

Submission:

PreventionGenetics, part of Exact Sciences
Classification: Pathogenic for L1CAM-related condition. Last evaluated: 2023-05-16. Review status: criteria provided, single submitter. Criteria: ACMG Guidelines, 2015. Collection method: clinical testing. Allele origin: germline.
Comment: The L1CAM c.991+1G>A variant is predicted to disrupt the GT donor site and interfere with normal splicing. This variant was reported in two family members with X-linked hydrocephalus (Vos et al. 2009. PubMed ID: 19846429). This variant has not been reported in a large population database, indicating this variant is rare. Variants that disrupt the consensus splice donor site in L1CAM are expected to be pathogenic. This variant is interpreted as pathogenic.